The following is an entry in ClinVar:

ClinVar aggregate classification (germline): Likely benign (1 of 4 stars; one submission).

Allele frequency attached by ClinVar (database versions not stated): gnomAD 0.00001; TOPMed 0.00002.

Submission:

CeGaT Center for Human Genetics Tuebingen
Classification: Likely benign. Last evaluated: 2022-11-01. Review status: criteria provided, single submitter. Criteria: CeGaT Center For Human Genetics Tuebingen Variant Classification Criteria Version 2. Collection method: clinical testing. Allele origin: germline. Affected: yes. Observed: 1 variant allele.
Comment: MAD2L1: BP4, BP7

NM_002358.4(MAD2L1):c.37C>T (p.Leu13=)

Gene: MAD2L1 (mitotic arrest deficient 2 like 1; minus strand). Cytogenetic location: 4q27.
Variant type: single nucleotide variant.
Coding change: c.37C>T on transcript NM_002358.4 (MANE Select); coding-DNA position 37, C replaced by T.
Protein change: p.Leu13=; no amino-acid change (leucine 13 retained).
Molecular consequence: synonymous variant.
Genome position (GRCh38, 1-based): chr4:120,066,698, G>A on the plus strand (C>T on the coding strand, the complement: MAD2L1 is on the minus strand). VCF-style: chr4-120066698-G-A. GRCh37 (hg19) VCF-style: chr4-120987853-G-A.
Identifiers: ClinVar variation 2655057 (VCV002655057.24), dbSNP rs1174188210, ClinGen allele CA441066933.
Genomic context (GRCh38, chr4:120,066,698, plus strand): 5'-ATATTGGCCTGCGCGAGAACTTACAGAAGAACTCGGCCACGATTTCGGCGCTCCCGCGCA[G>A]GGTGATTCCCTGCTCCCGGGAGAGCTGCAGCGCCATGGCCAGGGACACAAACAAAAGCAC-3'
Protein context (NP_002349.1, residues 3-23): LQLSREQGIT[Leu13=]RGSAEIVAEF